The following is an entry in ClinVar:

ClinVar aggregate classification (germline): Uncertain significance (1 of 4 stars; one submission).

Submission:

Ambry Genetics
Classification: Uncertain significance. Last evaluated: 2021-03-01. Review status: criteria provided, single submitter. Criteria: Ambry Variant Classification Scheme 2023. Collection method: clinical testing. Allele origin: germline.
Comment: The c.2205-2_2220del18insC variant results from a deletion of 18 nucleotides and insertion of 1 nucleotide between positions c.2205_2 and c.2220 and involves the canonical splice acceptor site before coding exon 18 of the MARS gene. The canonical splice acceptor site is highly conserved in available vertebrate species. Using the BDGP and ESEfinder splice site prediction tools, this alteration is predicted to abolish the native acceptor splice site; however, direct evidence is unavailable. Alterations that disrupt the canonical splice site are expected to cause aberrant splicing, resulting in an abnormal protein or a transcript that is subject to nonsense-mediated mRNA decay. Although biallelic loss of function alterations in MARS have been associated with autosomal recessive cytoplasmic methionine-tRNA synthetase deficiency, haploinsufficiency for MARS has not been clearly established as a mechanism of disease for autosomal dominant axonal Charcot-Marie-Tooth disease, type 2U. Based on the supporting evidence, this variant is likely pathogenic for cytoplasmic methionine-tRNA synthetase deficiency; however, the clinical significance for axonal Charcot-Marie-Tooth disease, type 2U is unclear.

NM_004990.4(MARS1):c.2205-2_2220delinsC

Gene: MARS1 (methionyl-tRNA synthetase 1; plus strand). Cytogenetic location: 12q13.3.
Variant type: Indel.
Coding change: c.2205-2_2220delinsC on transcript NM_004990.4 (MANE Select); the canonical splice acceptor site of the intron before coding-DNA position 2205 through coding-DNA position 2220, AGGCAACGGGCAGGAACA replaced by C.
Molecular consequence: splice acceptor variant.
Genome position (GRCh38, 1-based): chr12:57,515,148-57,515,165, AGGCAACGGGCAGGAACA replaced by C. VCF-style: chr12-57515148-AGGCAACGGGCAGGAACA-C. GRCh37 (hg19) VCF-style: chr12-57908931-AGGCAACGGGCAGGAACA-C.
Identifiers: ClinVar variation 1799746 (VCV001799746.2), dbSNP rs2540319441, ClinGen allele CA2580086553.